The following is an entry in ClinVar:

ClinVar aggregate classification (germline): Benign. Review status: criteria provided, multiple submitters, no conflicts (2 of 4 stars). 22 submissions from 17 submitters: Benign (19). 3 of the submissions do not count toward it. Last evaluated 2026-02-04.

Conditions:
Osteogenesis imperfecta type I (OI1). Also called: OI, TYPE I; OSTEOGENESIS IMPERFECTA TARDA; OSTEOGENESIS IMPERFECTA WITH BLUE SCLERAE; Osteogenesis imperfecta type 1; Lobstein's Disease; Lobstein disease. Identifiers: Orphanet 216796, Orphanet 666, MedGen C0023931, MONDO:0008146, OMIM 166200. Disease mechanism: loss of function.
Ehlers-Danlos syndrome, classic type, 1 (EDSCL1). Also called: Ehlers-Danlos Syndrome, Classic Type, COL5A1-Related; EHLERS-DANLOS SYNDROME, GRAVIS TYPE; EHLERS-DANLOS SYNDROME, SEVERE CLASSIC TYPE; Ehlers-Danlos syndrome, type 1; EDS I. Identifiers: MedGen C0268335, MONDO:0019567, OMIM 130000.
Cardiovascular phenotype. Identifiers: MedGen CN230736.
Ehlers-Danlos syndrome, arthrochalasia type, 2. Also called: EHLERS-DANLOS SYNDROME, TYPE VIIB, AUTOSOMAL DOMINANT. Identifiers: MedGen CN293783, MONDO:0040501, OMIM 617821.
Ehlers-Danlos syndrome (EDS). Identifiers: Orphanet 98249, MedGen C0013720, MONDO:0020066.
Ehlers-Danlos syndrome, classic type (cEDS). Identifiers: Orphanet 287, MedGen C4225429, MONDO:0007522.
Osteogenesis imperfecta type III (OI3). Also called: Osteogenesis imperfecta type 3; OI type 3; Osteogenesis imperfecta, progressively deforming with normal sclerae; OI type III; Progressively Deforming Osteogenesis Imperfecta. Identifiers: Orphanet 216812, Orphanet 666, MedGen C0268362, MONDO:0009804, OMIM 259420.
Osteogenesis imperfecta with normal sclerae, dominant form (OI4). Also called: OSTEOGENESIS IMPERFECTA WITH NORMAL SCLERAE; OSTEOGENESIS IMPERFECTA, TYPE IV, WITH DENTINOGENESIS IMPERFECTA; Osteogenesis Imperfecta Type IV; Osteogenesis imperfecta type 4; Common Variable Osteogenesis Imperfecta with Normal Sclerae. Identifiers: Orphanet 216820, Orphanet 666, MedGen C0268363, MONDO:0008148, OMIM 166220.
Osteogenesis imperfecta (OI). Identifiers: Orphanet 666, MedGen C0029434, MeSH D010013, MONDO:0019019.
Osteogenesis imperfecta, perinatal lethal (OI2). Also called: Osteogenesis imperfecta type 2; OI, TYPE II; OSTEOGENESIS IMPERFECTA CONGENITA; OSTEOGENESIS IMPERFECTA, TYPE II; VROLIK TYPE OF OSTEOGENESIS IMPERFECTA; Osteogenesis imperfecta, dominant perinatal lethal. Identifiers: Orphanet 216804, MedGen C0268358, MONDO:0008147, OMIM 166210.

Allele frequency attached by ClinVar (database versions not stated): ESP Exome Variant Server 0.79433; gnomAD 0.80779; TOPMed 0.80931; 1000 Genomes Project 0.82169; 1000 Genomes Project 30x 0.82370.
gnomAD v4.1: 1,231,835 of 1,612,780 alleles (76%); highest among the groups gnomAD compares: East Asian, 94%; 473,323 homozygotes.

Submissions (22):

Labcorp Genetics (formerly Invitae), Labcorp
Classification: Benign for Osteogenesis imperfecta type I; Ehlers-Danlos syndrome, classic type, 1. Last evaluated: 2026-02-04. Review status: criteria provided, single submitter. Criteria: Invitae Variant Classification Sherloc (09022015). Collection method: clinical testing. Allele origin: germline.

ARUP Laboratories, Molecular Genetics and Genomics, ARUP Laboratories
Classification: Benign. Last evaluated: 2025-07-29. Review status: criteria provided, single submitter. Criteria: ARUP Molecular Germline Variant Investigation Process 2024. Collection method: clinical testing. Allele origin: germline.

Blueprint Genetics
Classification: Benign. Last evaluated: 2024-11-27. Review status: criteria provided, single submitter. Criteria: ACMG Guidelines, 2015. Collection method: clinical testing. Allele origin: germline.

Genome Diagnostics Laboratory, The Hospital for Sick Children
Classification: Benign for Osteogenesis imperfecta. Last evaluated: 2022-07-18. Review status: criteria provided, single submitter. Criteria: ACMG Guidelines, 2015. Collection method: clinical testing. Allele origin: germline.

Genome Diagnostics Laboratory, The Hospital for Sick Children
Classification: Benign for Ehlers-Danlos syndrome. Last evaluated: 2022-07-16. Review status: criteria provided, single submitter. Criteria: ACMG Guidelines, 2015. Collection method: clinical testing. Allele origin: germline.

Genome-Nilou Lab
Classification: Benign for Ehlers-Danlos syndrome, arthrochalasia type, 2. Last evaluated: 2021-07-22. Review status: criteria provided, single submitter. Criteria: ACMG Guidelines, 2015. Collection method: clinical testing. Allele origin: germline. Affected: no.

Genome-Nilou Lab
Classification: Benign for Osteogenesis imperfecta, perinatal lethal. Last evaluated: 2021-07-22. Review status: criteria provided, single submitter. Criteria: ACMG Guidelines, 2015. Collection method: clinical testing. Allele origin: germline. Affected: no.

Genome-Nilou Lab
Classification: Benign for Osteogenesis imperfecta type III. Last evaluated: 2021-07-22. Review status: criteria provided, single submitter. Criteria: ACMG Guidelines, 2015. Collection method: clinical testing. Allele origin: germline. Affected: no.

Genome-Nilou Lab
Classification: Benign for Osteogenesis imperfecta with normal sclerae, dominant form. Last evaluated: 2021-07-22. Review status: criteria provided, single submitter. Criteria: ACMG Guidelines, 2015. Collection method: clinical testing. Allele origin: germline. Affected: no.

Mendelics
Classification: Benign for Ehlers-Danlos syndrome, classic type, 1. Last evaluated: 2019-05-28. Review status: criteria provided, single submitter. Criteria: Mendelics Assertion Criteria 2017. Collection method: clinical testing. Allele origin: unknown.

Mayo Clinic Laboratories, Mayo Clinic
Classification: Benign. Last evaluated: 2019-03-13. Review status: criteria provided, single submitter. Criteria: ACMG Guidelines, 2015. Collection method: clinical testing. Allele origin: germline. Observed: 4,197 variant alleles.

Ambry Genetics
Classification: Benign for Cardiovascular phenotype. Last evaluated: 2018-12-04. Review status: criteria provided, single submitter. Criteria: Ambry Variant Classification Scheme 2023. Collection method: clinical testing. Allele origin: germline.

Athena Diagnostics
Classification: Benign. Last evaluated: 2017-07-26. Review status: criteria provided, single submitter. Criteria: Athena Diagnostics Criteria. Collection method: clinical testing. Allele origin: germline.

Illumina Laboratory Services, Illumina
Classification: Benign for Ehlers-Danlos syndrome, arthrochalasia type, 2. Last evaluated: 2017-04-27. Review status: criteria provided, single submitter. Criteria: ICSL Variant Classification Criteria 13 December 2019. Collection method: clinical testing. Allele origin: germline.
Comment: This variant was observed as part of a predisposition screen in an ostensibly healthy population. A literature search was performed for the gene, cDNA change, and amino acid change (where applicable). No publications were found based on this search. Allele frequency data from public databases was too high to be consistent with this variant causing disease. Therefore, this variant is classified as benign.

Illumina Laboratory Services, Illumina
Classification: Benign for Osteogenesis imperfecta. Last evaluated: 2017-04-27. Review status: criteria provided, single submitter. Criteria: ICSL Variant Classification Criteria 13 December 2019. Collection method: clinical testing. Allele origin: germline.
Comment: the same text as in the submission from Illumina Laboratory Services, Illumina above.

Laboratory for Molecular Medicine, Mass General Brigham Personalized Medicine
Classification: Benign. Last evaluated: 2016-04-25. Review status: criteria provided, single submitter. Criteria: LMM Criteria. Collection method: clinical testing. Allele origin: germline.
Comment: Variant identified in a genome or exome case(s) and assessed due to predicted null impact of the variant or pathogenic assertions in the literature or databases. Disclaimer: This variant has not undergone full assessment. The following are preliminary notes: MAF

GeneDx
Classification: Benign. Last evaluated: 2016-03-03. Review status: criteria provided, single submitter. Criteria: GeneDx Variant Classification (06012015). Collection method: clinical testing. Allele origin: germline. Affected: yes.
Comment: This variant is considered likely benign or benign based on one or more of the following criteria: it is a conservative change, it occurs at a poorly conserved position in the protein, it is predicted to be benign by multiple in silico algorithms, and/or has population frequency not consistent with disease.

Breakthrough Genomics
Classification: Benign. Review status: criteria provided, single submitter. Criteria: ACMG Guidelines, 2015. Collection method: not provided. Allele origin: germline. Inheritance: Autosomal recessive inheritance. Affected: yes.

PreventionGenetics, part of Exact Sciences
Classification: Benign. Review status: criteria provided, single submitter. Criteria: ACMG Guidelines, 2015. Collection method: clinical testing. Allele origin: germline.

Diagnostic Laboratory, Department of Genetics, University Medical Center Groningen
Classification: Benign. Review status: no assertion criteria provided. Collection method: clinical testing. Allele origin: germline. Affected: yes. Study: VKGL Data-share Consensus. Not counted in ClinVar's aggregate classification.

Genome Diagnostics Laboratory, Amsterdam University Medical Center
Classification: Benign. Review status: no assertion criteria provided. Collection method: clinical testing. Allele origin: germline. Affected: yes. Study: VKGL Data-share Consensus. Not counted in ClinVar's aggregate classification.

Joint Genome Diagnostic Labs from Nijmegen and Maastricht, Radboudumc and MUMC+
Classification: Benign. Review status: no assertion criteria provided. Collection method: clinical testing. Allele origin: germline. Affected: yes. Study: VKGL Data-share Consensus. Not counted in ClinVar's aggregate classification.

NM_000089.4(COL1A2):c.1645C>G (p.Pro549Ala)

Gene: COL1A2 (collagen type I alpha 2 chain; plus strand). Cytogenetic location: 7q21.3.
Variant type: single nucleotide variant.
Coding change: c.1645C>G on transcript NM_000089.4 (MANE Select); coding-DNA position 1645, C replaced by G.
Protein change: p.Pro549Ala; replaces proline 549 with alanine.
Molecular consequence: missense variant.
Genome position (GRCh38, 1-based): chr7:94,413,927, C>G. VCF-style: chr7-94413927-C-G. GRCh37 (hg19) VCF-style: chr7-94043239-C-G.
Other names: short protein forms P549A.
Identifiers: ClinVar variation 254953 (VCV000254953.48), dbSNP rs42524, ClinGen allele CA4347144.